The following is an entry in ClinVar:

ClinVar aggregate classification (germline): Uncertain significance. Review status: criteria provided, multiple submitters, no conflicts (2 of 4 stars). 2 submissions from 2 submitters: Uncertain significance (2). Last evaluated 2024-11-10.

Conditions:
Familial thoracic aortic aneurysm and aortic dissection (TAAD). Also called: Thoracic aortic aneurysms and dissections. Identifiers: Orphanet 91387, MedGen C4707243, MONDO:0019625.

Allele frequency attached by ClinVar (database versions not stated): gnomAD exomes below 0.00001.
gnomAD v4.1: 1 of 1,614,190 alleles (0.000062%); highest among the groups gnomAD compares: East Asian, 0.0022%; no homozygotes.

Submissions (2):

Ambry Genetics
Classification: Uncertain significance for Familial thoracic aortic aneurysm and aortic dissection. Last evaluated: 2024-11-10. Review status: criteria provided, single submitter. Criteria: Ambry Variant Classification Scheme 2023. Collection method: clinical testing. Allele origin: germline.
Comment: The p.K572E variant (also known as c.1714A>G), located in coding exon 13 of the MYH11 gene, results from an A to G substitution at nucleotide position 1714. The lysine at codon 572 is replaced by glutamic acid, an amino acid with similar properties. This amino acid position is conserved. In addition, this alteration is predicted to be deleterious by in silico analysis. Based on the available evidence, the clinical significance of this variant remains unclear.

Color Diagnostics, LLC DBA Color Health
Classification: Uncertain significance for Familial thoracic aortic aneurysm and aortic dissection. Last evaluated: 2022-11-07. Review status: criteria provided, single submitter. Criteria: ACMG Guidelines, 2015. Collection method: clinical testing. Allele origin: germline.
Comment: This missense variant replaces lysine with glutamic acid at codon 579 of the MYH11 protein. Computational prediction suggests that this variant may not impact protein structure and function (internally defined REVEL score threshold <= 0.5, PMID: 27666373). To our knowledge, functional studies have not been reported for this variant. This variant has not been reported in individuals affected with MYH11-related disorders in the literature. This variant has not been identified in the general population by the Genome Aggregation Database (gnomAD). The available evidence is insufficient to determine the role of this variant in disease conclusively. Therefore, this variant is classified as a Variant of Uncertain Significance.

NM_002474.3(MYH11):c.1714A>G (p.Lys572Glu)

Gene: MYH11 (myosin heavy chain 11; minus strand). Cytogenetic location: 16p13.11.
Variant type: single nucleotide variant.
Coding change: c.1714A>G on transcript NM_002474.3 (MANE Select); coding-DNA position 1714, A replaced by G.
Protein change: p.Lys572Glu; replaces lysine 572 with glutamic acid.
Molecular consequence: missense variant.
Genome position (GRCh38, 1-based): chr16:15,756,376, T>C on the plus strand (A>G on the coding strand, the complement: MYH11 is on the minus strand). VCF-style: chr16-15756376-T-C. GRCh37 (hg19) VCF-style: chr16-15850233-T-C.
Other names: c.1735A>G, p.Lys579Glu (NM_001040113.2, NM_001040114.2); c.1714A>G, p.Lys572Glu (NM_022844.3); c.1714A>G (NM_002474.2); short protein forms K579E, K572E.
Identifiers: ClinVar variation 2773858 (VCV002773858.3), dbSNP rs2506357818, ClinGen allele CA394870308.